The following is an entry in ClinVar:

ClinVar aggregate classification (germline): Uncertain significance. Review status: criteria provided, single submitter (1 of 4 stars). 2 submissions from 2 submitters: Uncertain significance (1). 1 of the submissions does not count toward it. Last evaluated 2023-06-16.

Conditions:
Acromesomelic dysplasia 1, Maroteaux type (AMD1). Also called: ACROMESOMELIC DYSPLASIA 1; ST. HELENA DYSPLASIA. Identifiers: Orphanet 40, MedGen C1864356, MONDO:0011275, OMIM 602875.

Submissions (2):

GeneDx
Classification: Uncertain significance. Last evaluated: 2023-06-16. Review status: criteria provided, single submitter. Criteria: GeneDx Variant Classification Process June 2021. Collection method: clinical testing. Allele origin: germline. Affected: yes.
Comment: Not observed at significant frequency in large population cohorts (gnomAD); In silico analysis supports that this missense variant has a deleterious effect on protein structure/function; This variant is associated with the following publications: (PMID: 35368703, 33288834)

Hacettepe Genetic Diseases Diagnosis Center, Hacettepe University Faculty of Medicine
Classification: Uncertain significance for Acromesomelic dysplasia 1, Maroteaux type. Last evaluated: 2020-04-21. Review status: no assertion criteria provided. Collection method: clinical testing. Allele origin: germline. Inheritance: Autosomal recessive inheritance. Affected: yes. Observed: 1 homozygote. Not counted in ClinVar's aggregate classification.
Comment: This variant was neither found in ExAC nor 1000G. This variant was classified as uncertain significance according to the ACMG Guidelines and predicted to be disease causing by in silico analysis such as MutationTaster.

NM_003995.4(NPR2):c.329G>A (p.Arg110His)

Gene: NPR2 (natriuretic peptide receptor 2; plus strand). Cytogenetic location: 9p13.3.
Variant type: single nucleotide variant.
Coding change: c.329G>A on transcript NM_003995.4 (MANE Select); coding-DNA position 329, G replaced by A.
Protein change: p.Arg110His; replaces arginine 110 with histidine.
Molecular consequence: missense variant.
Genome position (GRCh38, 1-based): chr9:35,792,737, G>A. VCF-style: chr9-35792737-G-A. GRCh37 (hg19) VCF-style: chr9-35792734-G-A.
Other names: c.329G>A (NM_003995.3); short protein forms R110H.
Identifiers: ClinVar variation 870611 (VCV000870611.3), dbSNP rs1827825533, ClinGen allele CA373363260.